The following is an entry in ClinVar:

ClinVar aggregate classification (germline): Uncertain significance (1 of 4 stars; one submission).

gnomAD v4.1: 35 of 1,600,542 alleles (0.0022%); highest among the groups gnomAD compares: African/African-American, 0.035%; no homozygotes.

Submission:

Women's Health and Genetics/Laboratory Corporation of America, LabCorp
Classification: Uncertain significance. Last evaluated: 2026-01-05. Review status: criteria provided, single submitter. Criteria: LabCorp Variant Classification Summary - May 2015. Collection method: clinical testing. Allele origin: germline.
Comment: Variant summary: COL12A1 c.*16G>A is located in the untranslated mRNA region downstream of the termination codon. The variant allele was found at a frequency of 2.4e-05 in 247574 control chromosomes. The available data on variant occurrences in the general population are insufficient to allow any conclusion about variant significance. To our knowledge, no occurrence of c.*16G>A in individuals affected with COL12A1-related conditions and no experimental evidence demonstrating its impact on protein function have been reported. No submitters have cited clinical-significance assessments for this variant to ClinVar. Based on the evidence outlined above, the variant was classified as uncertain significance.

NM_004370.6(COL12A1):c.*16G>A

Gene: COL12A1 (collagen type XII alpha 1 chain; minus strand). Cytogenetic location: 6q13.
Variant type: single nucleotide variant.
Coding change: c.*16G>A on transcript NM_004370.6 (MANE Select); 16 bases downstream of the stop codon, G replaced by A.
Molecular consequence: 3 prime UTR variant. On other transcripts: intron variant (2).
Genome position (GRCh38, 1-based): chr6:75,086,531, C>T on the plus strand (G>A on the coding strand, the complement: COL12A1 is on the minus strand). VCF-style: chr6-75086531-C-T. GRCh37 (hg19) VCF-style: chr6-75796247-C-T.
Other names: c.*16G>A (NM_001424114.1, NM_001424115.1, NM_080645.3); c.5689+1046G>A (NM_001424116.1); c.9181+1046G>A (NM_001424113.1).
Identifiers: ClinVar variation 4689644 (VCV004689644.1).